The following is an entry in ClinVar:

NM_001008212.2(OPTN):c.1718T>C (p.Met573Thr)

Gene: OPTN (optineurin; plus strand). Cytogenetic location: 10p13.
Variant type: single nucleotide variant.
Coding change: c.1718T>C on transcript NM_001008212.2 (MANE Select); coding-DNA position 1718, T replaced by C.
Protein change: p.Met573Thr; replaces methionine 573 with threonine.
Molecular consequence: missense variant.
Genome position (GRCh38, 1-based): chr10:13,136,850, T>C. VCF-style: chr10-13136850-T-C. GRCh37 (hg19) VCF-style: chr10-13178850-T-C.
Other names: c.1718T>C, p.Met573Thr (NM_001008211.1, NM_001008213.1, NM_021980.4); short protein forms M573T.
Identifiers: ClinVar variation 1510874 (VCV001510874.6), dbSNP rs1564370960, ClinGen allele CA376030865.

ClinVar aggregate classification (germline): Uncertain significance (1 of 4 stars; one submission).

Conditions:
Amyotrophic lateral sclerosis type 12 (ALS12). Also called: AMYOTROPHIC LATERAL SCLEROSIS 12 WITH OR WITHOUT FRONTOTEMPORAL DEMENTIA. Identifiers: Orphanet 803, MedGen C3150692, MONDO:0013264, OMIM 613435.
Primary open angle glaucoma (POAG). Also called: OPTN-related open angle glaucoma. Identifiers: MedGen C0339573, MONDO:0100553, OMIM 137760.
Glaucoma 1, open angle, E. Identifiers: MedGen C1842026, MONDO:0007665.

Submission:

Labcorp Genetics (formerly Invitae), Labcorp
Classification: Uncertain significance for Primary open angle glaucoma; Glaucoma 1, open angle, E; Amyotrophic lateral sclerosis type 12. Last evaluated: 2022-08-16. Review status: criteria provided, single submitter. Criteria: Invitae Variant Classification Sherloc (09022015). Collection method: clinical testing. Allele origin: germline.
Comment: In summary, the available evidence is currently insufficient to determine the role of this variant in disease. Therefore, it has been classified as a Variant of Uncertain Significance. Algorithms developed to predict the effect of missense changes on protein structure and function output the following: SIFT: "Tolerated"; PolyPhen-2: "Benign"; Align-GVGD: "Class C0". The threonine amino acid residue is found in multiple mammalian species, which suggests that this missense change does not adversely affect protein function. ClinVar contains an entry for this variant (Variation ID: 1510874). This variant has not been reported in the literature in individuals affected with OPTN-related conditions. This variant is not present in population databases (gnomAD no frequency). This sequence change replaces methionine, which is neutral and non-polar, with threonine, which is neutral and polar, at codon 573 of the OPTN protein (p.Met573Thr).